The following is an entry in ClinVar:

NM_005670.4(EPM2A):c.815G>A (p.Arg272His)

Gene: EPM2A (EPM2A glucan phosphatase, laforin; minus strand). Cytogenetic location: 6q24.3.
Variant type: single nucleotide variant.
Coding change: c.815G>A on transcript NM_005670.4 (MANE Select); coding-DNA position 815, G replaced by A.
Protein change: p.Arg272His; replaces arginine 272 with histidine.
Molecular consequence: missense variant. On other transcripts: synonymous variant (1), non-coding transcript variant (1).
Genome position (GRCh38, 1-based): chr6:145,627,597, C>T on the plus strand (G>A on the coding strand, the complement: EPM2A is on the minus strand). VCF-style: chr6-145627597-C-T. GRCh37 (hg19) VCF-style: chr6-145948733-C-T.
Other names: c.815G>A, p.Arg272His (NM_001018041.2); c.573G>A, p.Pro191= (NM_001360057.2); c.401G>A, p.Arg134His (NM_001360064.2, NM_001360071.2, NM_001368131.1); c.353G>A, p.Arg118His (NM_001368129.2, NM_001368132.1); short protein forms R272H, R134H, R118H.
Identifiers: ClinVar variation 430074 (VCV000430074.9), dbSNP rs958366800, ClinGen allele CA4035065.
Genomic context (GRCh38, chr6:145,627,597, plus strand): 5'-ACCTTCCTCAGATTCCAGCCCATCACATACTGGAGCCAGCCGCAGACAGCCGCGGTGGAG[C>T]GGCCCACCCCAGCGTTGCAGTGCACGTACACGATGTGTCCCTTCTCCAGCAGCGCATGCA-3'
Protein context (NP_005661.1, residues 262-282): VYVHCNAGVG[Arg272His]STAAVCGWLQ

ClinVar aggregate classification (germline): Uncertain significance. Review status: criteria provided, multiple submitters, no conflicts (2 of 4 stars). 4 submissions from 4 submitters: Uncertain significance (4). Last evaluated 2025-10-14.

Conditions:
Progressive myoclonic epilepsy. Also called: Familial progressive myoclonic epilepsy; Myoclonic Epilepsies, Progressive; Myoclonus epilepsy; Progressive myoclonus epilepsy. Identifiers: Orphanet 308, Orphanet 98261, MedGen C0751778, MONDO:0020074.

Allele frequency attached by ClinVar (database versions not stated): gnomAD 0.00001; TOPMed 0.00002; gnomAD exomes 0.00003 and 0.00007; ExAC 0.00008.
gnomAD v4.1: 23 of 1,614,110 alleles (0.0014%); highest among the groups gnomAD compares: Admixed American, 0.032%; no homozygotes.

Submissions (4):

Women's Health and Genetics/Laboratory Corporation of America, LabCorp
Classification: Uncertain significance. Last evaluated: 2025-10-14. Review status: criteria provided, single submitter. Criteria: LabCorp Variant Classification Summary - May 2015. Collection method: clinical testing. Allele origin: germline.
Comment: Variant summary: EPM2A c.815G>A (p.Arg272His) results in a non-conservative amino acid change in the encoded protein sequence. Algorithms developed to predict the effect of missense changes on protein structure and function all suggest that this variant is likely to be disruptive. The variant allele was found at a frequency of 7.2e-05 in 249604 control chromosomes, predominantly at a frequency of 0.00038 within the Latino subpopulation in the gnomAD database. This frequency is not significantly higher than estimated for disease-causing variants in EPM2A, allowing no conclusion about variant significance. To our knowledge, no occurrence of c.815G>A in individuals affected with EPM2A-related conditions and no experimental evidence demonstrating its impact on protein function have been reported. ClinVar contains an entry for this variant (Variation ID: 430074). Based on the evidence outlined above, the variant was classified as uncertain significance.

Labcorp Genetics (formerly Invitae), Labcorp
Classification: Uncertain significance for Progressive myoclonic epilepsy. Last evaluated: 2025-09-02. Review status: criteria provided, single submitter. Criteria: Invitae Variant Classification Sherloc (09022015). Collection method: clinical testing. Allele origin: germline.
Comment: This sequence change replaces arginine, which is basic and polar, with histidine, which is basic and polar, at codon 272 of the EPM2A protein (p.Arg272His). This variant is present in population databases (no rsID available, gnomAD 0.03%). This variant has not been reported in the literature in individuals affected with EPM2A-related conditions. ClinVar contains an entry for this variant (Variation ID: 430074). Invitae Evidence Modeling of protein sequence and biophysical properties (such as structural, functional, and spatial information, amino acid conservation, physicochemical variation, residue mobility, and thermodynamic stability) has been performed for this missense variant. However, the output from this modeling did not meet the statistical confidence thresholds required to predict the impact of this variant on EPM2A protein function. In summary, the available evidence is currently insufficient to determine the role of this variant in disease. Therefore, it has been classified as a Variant of Uncertain Significance.

GeneDx
Classification: Uncertain significance. Last evaluated: 2022-08-08. Review status: criteria provided, single submitter. Criteria: GeneDx Variant Classification Process June 2021. Collection method: clinical testing. Allele origin: germline. Affected: yes.
Comment: In silico analysis supports that this missense variant has a deleterious effect on protein structure/function; Has not been previously published as pathogenic or benign to our knowledge

Athena Diagnostics
Classification: Uncertain significance. Last evaluated: 2016-12-21. Review status: criteria provided, single submitter. Criteria: Athena Diagnostics Criteria. Collection method: clinical testing. Allele origin: germline.